The following is an entry in ClinVar:

NM_001122681.2(SH3BP2):c.357+14_357+15insTAGGACGAGTGCAAGGTGACTGGGGGTCC

Gene: SH3BP2 (SH3 domain binding protein 2; plus strand). Cytogenetic location: 4p16.3.
Variant type: Insertion.
Coding change: c.357+14_357+15insTAGGACGAGTGCAAGGTGACTGGGGGTCC on transcript NM_001122681.2 (MANE Select); bases 14 to 15 of the intron after coding-DNA position 357, TAGGACGAGTGCAAGGTGACTGGGGGTCC inserted.
Molecular consequence: splice donor variant.
Genome position: GRCh38 VCF-style: chr4-2824725-C-CGCAAGGTGACTGGGGGTCCTAGGACGAGT. GRCh37 (hg19) VCF-style: chr4-2826452-C-CGCAAGGTGACTGGGGGTCCTAGGACGAGT.
Other names: c.441+14_441+15insTAGGACGAGTGCAAGGTGACTGGGGGTCC (NM_001145855.2); c.528+14_528+15insTAGGACGAGTGCAAGGTGACTGGGGGTCC (NM_001145856.2); c.357+14_357+15insTAGGACGAGTGCAAGGTGACTGGGGGTCC (NM_003023.4).
Identifiers: ClinVar variation 1365067 (VCV001365067.6), dbSNP rs1326878343, ClinGen allele CA2819017.

ClinVar aggregate classification (germline): Uncertain significance (1 of 4 stars; one submission).

Conditions:
Fibrous dysplasia of jaw (CRBM). Also called: Cherubism. Identifiers: Orphanet 184, MedGen C0008029, MONDO:0007315, OMIM 118400.

Submission:

Labcorp Genetics (formerly Invitae), Labcorp
Classification: Uncertain significance for Fibrous dysplasia of jaw. Last evaluated: 2024-10-15. Review status: criteria provided, single submitter. Criteria: Invitae Variant Classification Sherloc (09022015). Collection method: clinical testing. Allele origin: germline.
Comment: This sequence change falls in intron 4 of the SH3BP2 gene. It does not directly change the encoded amino acid sequence of the SH3BP2 protein. This variant is present in population databases (no rsID available, gnomAD 0.009%). This variant has not been reported in the literature in individuals affected with SH3BP2-related conditions. ClinVar contains an entry for this variant (Variation ID: 1365067). In summary, the available evidence is currently insufficient to determine the role of this variant in disease. Therefore, it has been classified as a Variant of Uncertain Significance.